The following is an entry in ClinVar:

ClinVar aggregate classification (germline): Pathogenic. Review status: criteria provided, multiple submitters, no conflicts (2 of 4 stars). 2 submissions from 2 submitters: Pathogenic (2). Last evaluated 2023-01-18.

Conditions:
ZEB2-related disorder. Also called: ZEB2-related condition.

Submissions (2):

Blueprint Genetics
Classification: Pathogenic for ZEB2-related disorders. Last evaluated: 2023-01-18. Review status: criteria provided, single submitter. Criteria: ACMG Guidelines, 2015. Collection method: clinical testing. Allele origin: germline. Affected: yes. Observed: 1 variant allele.

GeneDx
Classification: Pathogenic. Last evaluated: 2021-03-17. Review status: criteria provided, single submitter. Criteria: GeneDx Variant Classification Process June 2021. Collection method: clinical testing. Allele origin: germline. Affected: yes.
Comment: Nonsense variant predicted to result in protein truncation or nonsense mediated decay in a gene for which loss-of-function is a known mechanism of disease; Not observed in large population cohorts (Lek et al., 2016); This variant is associated with the following publications: (PMID: 26809768)

NM_014795.4(ZEB2):c.1467T>A (p.Tyr489Ter)

Gene: ZEB2 (zinc finger E-box binding homeobox 2; minus strand). Cytogenetic location: 2q22.3.
Variant type: single nucleotide variant.
Coding change: c.1467T>A on transcript NM_014795.4 (MANE Select); coding-DNA position 1467, T replaced by A.
Protein change: p.Tyr489Ter; replaces tyrosine 489 with a stop codon.
Molecular consequence: nonsense.
Genome position (GRCh38, 1-based): chr2:144,399,720, A>T on the plus strand (T>A on the coding strand, the complement: ZEB2 is on the minus strand). VCF-style: chr2-144399720-A-T. GRCh37 (hg19) VCF-style: chr2-145157287-A-T.
Other names: c.1395T>A, p.Tyr465Ter (NM_001171653.2); short protein forms Y489*, Y465*.
Identifiers: ClinVar variation 451445 (VCV000451445.4), dbSNP rs1553961705, ClinGen allele CA348711326.